The following is an entry in ClinVar:

ClinVar aggregate classification (germline): Uncertain significance. Review status: criteria provided, multiple submitters, no conflicts (2 of 4 stars). 7 submissions from 6 submitters: Uncertain significance (7). Last evaluated 2025-12-10.

Conditions:
Malignant hyperthermia, susceptibility to, 1 (MHS1). Also called: RYR1-Related Malignant Hyperthermia Susceptibility; Anesthesia related hyperthermia; Malignant hyperpyrexia; Fulminating hyperpyrexia; Pharmacogenic myopathy; Malignant hyperthermia suceptibility 1. Identifiers: Orphanet 423, MedGen C2930980, MONDO:0007783, OMIM 145600.
Central core myopathy (CMYO1A). Also called: Central core disease; Myopathy, central fibrillar; CONGENITAL MYOPATHY 1A, AUTOSOMAL DOMINANT, WITH SUSCEPTIBILITY TO MALIGNANT HYPERTHERMIA. Identifiers: Orphanet 597, MedGen C5830701, MONDO:0007294, OMIM 117000.
Congenital myopathy with fiber type disproportion. Also called: Congenital fiber-type disproportion myopathy; Congenital fiber-type disproportion. Identifiers: Orphanet 2020, MedGen C0546264, MONDO:0009711. Inheritance: all.
Congenital multicore myopathy with external ophthalmoplegia (CMYO1B). Also called: Congenital myopathy 1B, autosomal recessive; Minicore myopathy; Minicore myopathy with external ophthalmoplegia; MULTIMINICORE DISEASE WITH EXTERNAL OPHTHALMOPLEGIA; MULTICORE MYOPATHY. Identifiers: Orphanet 598, Orphanet 98905, MedGen C1850674, MONDO:0009712, OMIM 255320, HP:0003789.
King Denborough syndrome (KDS). Identifiers: MedGen C1840365, MONDO:0020485, OMIM 619542.
RYR1-related disorder. Also called: RYR1-related condition; RYR1-related disorders. Identifiers: MedGen CN239331.

Allele frequency attached by ClinVar (database versions not stated): gnomAD 0.00001; gnomAD exomes 0.00004; TOPMed 0.00005; ExAC 0.00004.
gnomAD v4.1: 47 of 1,614,250 alleles (0.0029%); highest among the groups gnomAD compares: Admixed American, 0.0067%; no homozygotes.

Submissions (7):

Labcorp Genetics (formerly Invitae), Labcorp
Classification: Uncertain significance for RYR1-related disorder. Last evaluated: 2025-12-10. Review status: criteria provided, single submitter. Criteria: Invitae Variant Classification Sherloc (09022015). Collection method: clinical testing. Allele origin: germline.
Comment: This sequence change replaces arginine, which is basic and polar, with histidine, which is basic and polar, at codon 1086 of the RYR1 protein (p.Arg1086His). This variant is present in population databases (rs764009626, gnomAD 0.006%). This missense change has been observed in individual(s) with clinical features of autosomal dominant congenital myopathy and/or malignant hyperthermia (PMID: 3356401; internal data). ClinVar contains an entry for this variant (Variation ID: 572240). Invitae Evidence Modeling of protein sequence and biophysical properties (such as structural, functional, and spatial information, amino acid conservation, physicochemical variation, residue mobility, and thermodynamic stability) indicates that this missense variant is not expected to disrupt RYR1 protein function with a negative predictive value of 95%. In summary, the available evidence is currently insufficient to determine the role of this variant in disease. Therefore, it has been classified as a Variant of Uncertain Significance.

Color Diagnostics, LLC DBA Color Health
Classification: Uncertain significance for Malignant hyperthermia, susceptibility to, 1. Last evaluated: 2025-06-09. Review status: criteria provided, single submitter. Criteria: ACMG Guidelines, 2015. Collection method: clinical testing. Allele origin: germline.
Comment: This missense variant replaces arginine with histidine at codon 1086 of the RYR1 protein. Computational prediction is inconclusive regarding the impact of this variant on protein structure and function. To our knowledge, functional studies have not been reported for this variant. This variant has been reported in one family affected with malignant hyperthermia susceptibility and did not consistently segregate with disease (PMID: 33564012). This variant has been identified in 10/282866 chromosomes in the general population by the Genome Aggregation Database (gnomAD). The available evidence is insufficient to determine the role of this variant in disease conclusively. Therefore, this variant is classified as a Variant of Uncertain Significance.

GeneDx
Classification: Uncertain significance. Last evaluated: 2025-04-11. Review status: criteria provided, single submitter. Criteria: GeneDx Variant Classification Process June 2021. Collection method: clinical testing. Allele origin: germline.
Comment: Has been observed in a study of patients referred to a malignant hyperthermia with clinical features sugestive of MH or a family history of MH and was listed as a variant of uncertain clinical significance (PMID: 33564012); In silico analysis supports that this missense variant has a deleterious effect on protein structure/function; Not observed at significant frequency in large population cohorts (gnomAD); This variant is associated with the following publications: (PMID: 33564012)

All of Us Research Program, National Institutes of Health
Classification: Uncertain significance for Malignant hyperthermia, susceptibility to, 1. Last evaluated: 2023-12-18. Review status: criteria provided, single submitter. Criteria: ACMG Guidelines, 2015. Collection method: clinical testing. Allele origin: germline. Inheritance: Autosomal dominant inheritance. Observed: 14 variant alleles, 14 heterozygotes.
Comment: This missense variant replaces arginine with histidine at codon 1086 of the RYR1 protein. Computational prediction is inconclusive regarding the impact of this variant on protein structure and function (internally defined REVEL score threshold 0.5 < inconclusive < 0.7, PMID: 27666373). To our knowledge, functional studies have not been reported for this variant. This variant has been reported in one family affected with malignant hyperthermia susceptibility and did not consistently segregate with disease (PMID: 33564012). This variant has been identified in 10/282866 chromosomes in the general population by the Genome Aggregation Database (gnomAD). The available evidence is insufficient to determine the role of this variant in disease conclusively. Therefore, this variant is classified as a Variant of Uncertain Significance.

This study involves interpretation of variants in research participants for the purpose of population health screening. Participant phenotype was not available at the time of variant classification. Additional details can be found in publication PMID: 35346344, PMCID: PMC8962531

Fulgent Genetics
Classification: Uncertain significance for Central core myopathy; Malignant hyperthermia, susceptibility to, 1; Congenital myopathy 4A, autosomal dominant; Congenital multicore myopathy with external ophthalmoplegia; King Denborough syndrome. Last evaluated: 2021-10-11. Review status: criteria provided, single submitter. Criteria: ACMG Guidelines, 2015. Collection method: clinical testing. Allele origin: unknown.

Illumina Laboratory Services, Illumina
Classification: Uncertain significance for Malignant hyperthermia, susceptibility to, 1. Last evaluated: 2018-01-13. Review status: criteria provided, single submitter. Criteria: ICSL Variant Classification Criteria 13 December 2019. Collection method: clinical testing. Allele origin: germline.

Illumina Laboratory Services, Illumina
Classification: Uncertain significance for Congenital multicore myopathy with external ophthalmoplegia. Last evaluated: 2018-01-13. Review status: criteria provided, single submitter. Criteria: ICSL Variant Classification Criteria 13 December 2019. Collection method: clinical testing. Allele origin: germline.

Literature cited by the submitters: PubMed 3356401 (cited by Labcorp Genetics (formerly Invitae), Labcorp); PubMed 33564012 (cited by Color Diagnostics, LLC DBA Color Health and All of Us Research Program, National Institutes of Health).

NM_000540.3(RYR1):c.3257G>A (p.Arg1086His)

Gene: RYR1 (ryanodine receptor 1; plus strand). Cytogenetic location: 19q13.2.
Variant type: single nucleotide variant.
Coding change: c.3257G>A on transcript NM_000540.3 (MANE Select); coding-DNA position 3257, G replaced by A.
Protein change: p.Arg1086His; replaces arginine 1086 with histidine.
Molecular consequence: missense variant.
Genome position (GRCh38, 1-based): chr19:38,467,688, G>A. VCF-style: chr19-38467688-G-A. GRCh37 (hg19) VCF-style: chr19-38958328-G-A.
Other names: c.3257G>A, p.Arg1086His (NM_001042723.2); short protein forms R1086H.
Identifiers: ClinVar variation 572240 (VCV000572240.19), dbSNP rs764009626, ClinGen allele CA064626.